The following is an entry in ClinVar:

ClinVar aggregate classification (germline): Uncertain significance (1 of 4 stars; one submission).

Conditions:
Myasthenic syndrome, congenital, 22 (CMS22). Also called: PREPL DEFICIENCY. Identifiers: MedGen C4479088, MONDO:0044299, OMIM 616224.

Submission:

Labcorp Genetics (formerly Invitae), Labcorp
Classification: Uncertain significance for Myasthenic syndrome, congenital, 22. Last evaluated: 2022-07-19. Review status: criteria provided, single submitter. Criteria: Invitae Variant Classification Sherloc (09022015). Collection method: clinical testing. Allele origin: germline.
Comment: This variant has not been reported in the literature in individuals affected with PREPL-related conditions. This variant is not present in population databases (gnomAD no frequency). This sequence change replaces methionine, which is neutral and non-polar, with isoleucine, which is neutral and non-polar, at codon 593 of the PREPL protein (p.Met593Ile). In summary, the available evidence is currently insufficient to determine the role of this variant in disease. Therefore, it has been classified as a Variant of Uncertain Significance. Algorithms developed to predict the effect of missense changes on protein structure and function (SIFT, PolyPhen-2, Align-GVGD) all suggest that this variant is likely to be tolerated. ClinVar contains an entry for this variant (Variation ID: 1515610).

NM_001171613.2(PREPL):c.1512G>T (p.Met504Ile)

Gene: PREPL (prolyl endopeptidase like; minus strand). Cytogenetic location: 2p21.
Variant type: single nucleotide variant.
Coding change: c.1512G>T on transcript NM_001171613.2 (MANE Select); coding-DNA position 1512, G replaced by T.
Protein change: p.Met504Ile; replaces methionine 504 with isoleucine.
Molecular consequence: missense variant.
Genome position (GRCh38, 1-based): chr2:44,323,379, C>A on the plus strand (G>T on the coding strand, the complement: PREPL is on the minus strand). VCF-style: chr2-44323379-C-A. GRCh37 (hg19) VCF-style: chr2-44550518-C-A.
Other names: c.1593G>T, p.Met531Ile (NM_001042385.2); c.1581G>T, p.Met527Ile (NM_001042386.2); c.1779G>T, p.Met593Ile (NM_001171603.1, NM_001171606.2, NM_001374275.1 and 2 more transcripts); c.1512G>T, p.Met504Ile (NM_001171617.1, NM_001374277.1); short protein forms M531I, M593I, M527I, M504I.
Identifiers: ClinVar variation 1515610 (VCV001515610.6), dbSNP rs1396221301, ClinGen allele CA346688929.
Genomic context (GRCh38, chr2:44,323,379, plus strand): 5'-ATCAGATGAAGGATTCCCCCATTCTTCTAATTCTTCTAATGTCAGAGGAAGTGTAGTGTC[C>A]ATCATGGTGTTGAGAACATCCAAGAAAGGTGCCTAAAAAAAAGGCAAAGAAACTTATACT-3'
Protein context (NP_001165084.1, residues 494-514): APFLDVLNTM[Met504Ile]DTTLPLTLEE